The following is an entry in ClinVar:

NM_006907.4(PYCR1):c.288G>A (p.Ala96=)

Gene: PYCR1 (pyrroline-5-carboxylate reductase 1; minus strand). Cytogenetic location: 17q25.3.
Variant type: single nucleotide variant.
Coding change: c.288G>A on transcript NM_006907.4 (MANE Select); coding-DNA position 288, G replaced by A.
Protein change: p.Ala96=; no amino-acid change (alanine 96 retained).
Molecular consequence: synonymous variant.
Genome position (GRCh38, 1-based): chr17:81,935,367, C>T on the plus strand (G>A on the coding strand, the complement: PYCR1 is on the minus strand). VCF-style: chr17-81935367-C-T. GRCh37 (hg19) VCF-style: chr17-79893243-C-T.
Other names: c.288G>A, p.Ala96= (NM_001282279.2, NM_001282280.2, NM_001330523.2 and 1 more transcripts); c.369G>A, p.Ala123= (NM_001282281.2).
Identifiers: ClinVar variation 1469439 (VCV001469439.8), dbSNP rs369753605, ClinGen allele CA8845505.
Genomic context (GRCh38, chr17:81,935,367, plus strand): 5'-CTCCACACCCCACTGGGCCTGCGGTGCTACCTTCTCAATGGAGCTGATGGTGACGCCGGC[C>T]GCGCAGGACACCACAATGTGTCTGTCCTCAATGTCGGCGCCTATTTCATCCAGGATGAAG-3'
Protein context (NP_008838.2, residues 86-106): IEDRHIVVSC[Ala96=]AGVTISSIEK

ClinVar aggregate classification (germline): Likely benign. Review status: criteria provided, multiple submitters, no conflicts (2 of 4 stars). 2 submissions from 2 submitters: Likely benign (2). Last evaluated 2026-06-01.

Allele frequency attached by ClinVar (database versions not stated): gnomAD exomes 0.00003; gnomAD 0.00004 and 0.00005; ExAC 0.00007; TOPMed 0.00007; ESP Exome Variant Server 0.00008.

Submissions (2):

CeGaT Center for Human Genetics Tuebingen
Classification: Likely benign. Last evaluated: 2026-06-01. Review status: criteria provided, single submitter. Criteria: CeGaT Center For Human Genetics Tuebingen Variant Classification Criteria Version 2. Collection method: clinical testing. Allele origin: germline. Affected: yes. Observed: 1 variant allele.
Comment: PYCR1: BP4, BP7

Labcorp Genetics (formerly Invitae), Labcorp
Classification: Likely benign. Last evaluated: 2026-01-21. Review status: criteria provided, single submitter. Criteria: Invitae Variant Classification Sherloc (09022015). Collection method: clinical testing. Allele origin: germline.